The following is an entry in ClinVar:

ClinVar aggregate classification (germline): Uncertain significance. Review status: criteria provided, multiple submitters, no conflicts (2 of 4 stars). 3 submissions from 3 submitters: Uncertain significance (3). Last evaluated 2025-08-08.

Conditions:
Hereditary cancer-predisposing syndrome. Also called: Neoplastic Syndromes, Hereditary; Tumor predisposition; Hereditary neoplastic syndrome; Hereditary Cancer Syndrome. Identifiers: Orphanet 140162, MedGen C0027672, MeSH D009386, MONDO:0015356.
Familial cancer of breast. Also called: BREAST CANCER, FAMILIAL; hereditary breast carcinoma; Hereditary breast cancer. Identifiers: Orphanet 227535, MedGen C0346153, MONDO:0016419, OMIM 114480. Disease mechanism: loss of function.

Submissions (3):

Ambry Genetics
Classification: Uncertain significance for Hereditary cancer-predisposing syndrome. Last evaluated: 2025-08-08. Review status: criteria provided, single submitter. Criteria: Ambry Variant Classification Scheme 2023. Collection method: clinical testing. Allele origin: germline.
Comment: The p.G403V variant (also known as c.1208G>T), located in coding exon 10 of the CHEK2 gene, results from a G to T substitution at nucleotide position 1208. The glycine at codon 403 is replaced by valine, an amino acid with dissimilar properties. This amino acid position is highly conserved in available vertebrate species. In addition, this alteration is predicted to be deleterious by in silico analysis. Since supporting evidence is limited at this time, the clinical significance of this alteration remains unclear.

Labcorp Genetics (formerly Invitae), Labcorp
Classification: Uncertain significance for Familial cancer of breast. Last evaluated: 2023-10-26. Review status: criteria provided, single submitter. Criteria: Invitae Variant Classification Sherloc (09022015). Collection method: clinical testing. Allele origin: germline.
Comment: This sequence change replaces glycine, which is neutral and non-polar, with valine, which is neutral and non-polar, at codon 403 of the CHEK2 protein (p.Gly403Val). This variant is not present in population databases (gnomAD no frequency). This variant has not been reported in the literature in individuals affected with CHEK2-related conditions. ClinVar contains an entry for this variant (Variation ID: 580846). An algorithm developed to predict the effect of missense changes on protein structure and function (PolyPhen-2) suggests that this variant is likely to be disruptive. In summary, the available evidence is currently insufficient to determine the role of this variant in disease. Therefore, it has been classified as a Variant of Uncertain Significance.

GeneDx
Classification: Uncertain significance. Last evaluated: 2022-11-11. Review status: criteria provided, single submitter. Criteria: GeneDx Variant Classification Process June 2021. Collection method: clinical testing. Allele origin: germline. Affected: yes.
Comment: Not observed at significant frequency in large population cohorts (gnomAD); In silico analysis supports that this missense variant has a deleterious effect on protein structure/function; Has not been previously published as pathogenic or benign to our knowledge; This variant is associated with the following publications: (PMID: 22419737, 19782031)

NM_007194.4(CHEK2):c.1208G>T (p.Gly403Val)

Gene: CHEK2 (checkpoint kinase 2; minus strand). Cytogenetic location: 22q12.1.
Variant type: single nucleotide variant.
Coding change: c.1208G>T on transcript NM_007194.4 (MANE Select); coding-DNA position 1208, G replaced by T.
Protein change: p.Gly403Val; replaces glycine 403 with valine.
Molecular consequence: missense variant.
Genome position (GRCh38, 1-based): chr22:28,695,761, C>A on the plus strand (G>T on the coding strand, the complement: CHEK2 is on the minus strand). VCF-style: chr22-28695761-C-A. GRCh37 (hg19) VCF-style: chr22-29091749-C-A.
Other names: c.1337G>T, p.Gly446Val (NM_001005735.3); c.545G>T, p.Gly182Val (NM_001257387.3); c.1007G>T, p.Gly336Val (NM_001349956.3); c.1121G>T, p.Gly374Val (NM_145862.3); short protein forms G403V, G336V, G182V, G374V, G446V.
Identifiers: ClinVar variation 580846 (VCV000580846.15), dbSNP rs1435731482, ClinGen allele CA411096741.